The following is an entry in ClinVar:

ClinVar aggregate classification (germline): Benign/Likely benign. Review status: criteria provided, multiple submitters, no conflicts (2 of 4 stars). 4 submissions from 4 submitters: Benign (3); Likely benign (1). Last evaluated 2026-01-26.

Conditions:
Mitochondrial DNA depletion syndrome 13. Also called: FBXL4-Related Encephalomyopathic Mitochondrial DNA Depletion Syndrome; Mitochondrial DNA depletion syndrome 13 (encephalomyopathic type). Identifiers: Orphanet 369897, MedGen C3809592, MONDO:0014198, OMIM 615471.

Allele frequency attached by ClinVar (database versions not stated): ESP Exome Variant Server 0.00023; gnomAD exomes 0.00053 and 0.00171; gnomAD 0.00068 and 0.00097; TOPMed 0.00091; ExAC 0.00159; 1000 Genomes Project 30x 0.00187; 1000 Genomes Project 0.00220.
gnomAD v4.1: 965 of 1,613,486 alleles (0.06%); highest among the groups gnomAD compares: East Asian, 1.1%; 8 homozygotes.

Submissions (4):

Labcorp Genetics (formerly Invitae), Labcorp
Classification: Benign. Last evaluated: 2026-01-26. Review status: criteria provided, single submitter. Criteria: Invitae Variant Classification Sherloc (09022015). Collection method: clinical testing. Allele origin: germline.

CeGaT Center for Human Genetics Tuebingen
Classification: Likely benign. Last evaluated: 2025-10-01. Review status: criteria provided, single submitter. Criteria: CeGaT Center For Human Genetics Tuebingen Variant Classification Criteria Version 2. Collection method: clinical testing. Allele origin: germline. Affected: yes. Observed: 1 variant allele.
Comment: FBXL4: BP4, BP7, BS1

GeneDx
Classification: Benign. Last evaluated: 2019-06-14. Review status: criteria provided, single submitter. Criteria: GeneDx Variant Classification Process June 2021. Collection method: clinical testing. Allele origin: germline. Affected: yes.

Wong Mito Lab, Molecular and Human Genetics, Baylor College of Medicine
Classification: Benign for Mitochondrial DNA depletion syndrome 13. Last evaluated: 2017-08-10. Review status: criteria provided, single submitter. Criteria: ACMG Guidelines, 2015. Collection method: reference population. Allele origin: germline.
Comment: The NM_012160.4:c.468T>C (NP_036292.2:p.Ala156=) [GRCH38: NC_000006.12:g.98926521A>G] variant in FBXL4 gene is interpretated to be a Benign based on ACMG guidelines (PMID: 25741868). This variant meets one or more of the following evidence codes reported in the ACMG-guideline. BS1:The minor allele frequency of this allele is high for Mitochondrial DNA depletion syndrome 13. BS2:Observation of the variant is in controls is inconsistent with penetrance of Mitochondrial DNA depletion syndrome 13. BP4:Computational evidence/predictors indicate no impact on the FBXL4 structure, function, or protein-protein interaction. Based on this evidence code ClinGen Pathogenicity Calculator (PMID:28081714) suggested that the variant is Benign.

NM_001278716.2(FBXL4):c.468T>C (p.Ala156=)

Gene: FBXL4 (F-box and leucine rich repeat protein 4; minus strand). Cytogenetic location: 6q16.2.
Variant type: single nucleotide variant.
Coding change: c.468T>C on transcript NM_001278716.2 (MANE Select); coding-DNA position 468, T replaced by C.
Protein change: p.Ala156=; no amino-acid change (alanine 156 retained).
Molecular consequence: synonymous variant. On other transcripts: non-coding transcript variant (2).
Genome position (GRCh38, 1-based): chr6:98,926,521, A>G on the plus strand (T>C on the coding strand, the complement: FBXL4 is on the minus strand). VCF-style: chr6-98926521-A-G. GRCh37 (hg19) VCF-style: chr6-99374397-A-G.
Other names: c.468T>C, p.Ala156= (NM_012160.5).
Identifiers: ClinVar variation 380454 (VCV000380454.21), dbSNP rs114916821, ClinGen allele CA3933682.